The following is an entry in ClinVar:

ClinVar aggregate classification (germline): Uncertain significance (1 of 4 stars; one submission).

Allele frequency attached by ClinVar (database versions not stated): gnomAD exomes below 0.00001.

Submission:

CeGaT Center for Human Genetics Tuebingen
Classification: Uncertain significance. Last evaluated: 2023-09-01. Review status: criteria provided, single submitter. Criteria: CeGaT Center For Human Genetics Tuebingen Variant Classification Criteria Version 2. Collection method: clinical testing. Allele origin: germline. Affected: yes. Observed: 1 variant allele.
Comment: DLL1: PM2, BP4

NM_005618.4(DLL1):c.1277C>T (p.Ala426Val)

Gene: DLL1 (delta like canonical Notch ligand 1; minus strand). Cytogenetic location: 6q27.
Variant type: single nucleotide variant.
Coding change: c.1277C>T on transcript NM_005618.4 (MANE Select); coding-DNA position 1277, C replaced by T.
Protein change: p.Ala426Val; replaces alanine 426 with valine.
Molecular consequence: missense variant.
Genome position (GRCh38, 1-based): chr6:170,284,002, G>A on the plus strand (C>T on the coding strand, the complement: DLL1 is on the minus strand). VCF-style: chr6-170284002-G-A. GRCh37 (hg19) VCF-style: chr6-170593090-G-A.
Other names: short protein forms A426V.
Identifiers: ClinVar variation 2583042 (VCV002583042.25), dbSNP rs2114958952, ClinGen allele CA366507612.